The following is an entry in ClinVar:

NM_000492.4(CFTR):c.3742T>A (p.Ser1248Thr)

Genes: CFTR (CF transmembrane conductance regulator; plus strand), CFTR-AS2 (CFTR antisense RNA 2; minus strand). Cytogenetic location: 7q31.2.
Variant type: single nucleotide variant.
Coding change: c.3742T>A on transcript NM_000492.4 (MANE Select); coding-DNA position 3742, T replaced by A.
Protein change: p.Ser1248Thr; replaces serine 1248 with threonine.
Molecular consequence: missense variant.
Genome position (GRCh38, 1-based): chr7:117,642,462, T>A. VCF-style: chr7-117642462-T-A. GRCh37 (hg19) VCF-style: chr7-117282516-T-A.
Other names: short protein forms S1248T.
Identifiers: ClinVar variation 3491665 (VCV003491665.1).

ClinVar aggregate classification (germline): Uncertain significance (1 of 4 stars; one submission).

Conditions:
Cystic fibrosis (CF). Also called: MUCOVISCIDOSIS. Identifiers: Orphanet 586, MedGen C0010674, MONDO:0009061, OMIM 219700. Disease mechanism: loss of function.

Submission:

Ambry Genetics
Classification: Uncertain significance for Cystic fibrosis. Last evaluated: 2024-09-09. Review status: criteria provided, single submitter. Criteria: Ambry Variant Classification Scheme 2023. Collection method: clinical testing. Allele origin: germline.
Comment: The p.S1248T variant (also known as c.3742T>A), located in coding exon 23 of the CFTR gene, results from a T to A substitution at nucleotide position 3742. The serine at codon 1248 is replaced by threonine, an amino acid with similar properties. This amino acid position is conserved. In addition, this alteration is predicted to be deleterious by in silico analysis. Based on the available evidence, the clinical significance of this variant remains unclear.